The following is an entry in ClinVar:

ClinVar aggregate classification (germline): Uncertain significance (1 of 4 stars; one submission).

gnomAD v4.1: 1 of 1,614,172 alleles (0.000062%); no homozygotes.

Submission:

Labcorp Genetics (formerly Invitae), Labcorp
Classification: Uncertain significance. Last evaluated: 2025-12-21. Review status: criteria provided, single submitter. Criteria: Invitae Variant Classification Sherloc (09022015). Collection method: clinical testing. Allele origin: germline.
Comment: This sequence change replaces leucine, which is neutral and non-polar, with arginine, which is basic and polar, at codon 7 of the MTTP protein (p.Leu7Arg). This variant is not present in population databases (gnomAD no frequency). This missense change has been observed in individual(s) with MTTP-related conditions (PMID: 32041611). ClinVar contains an entry for this variant (Variation ID: 2194976). An algorithm developed to predict the effect of missense changes on protein structure and function (PolyPhen-2) suggests that this variant is likely to be disruptive. In summary, the available evidence is currently insufficient to determine the role of this variant in disease. Therefore, it has been classified as a Variant of Uncertain Significance.

Literature cited by the submitters: PubMed 32041611.

NM_001386140.1(MTTP):c.20T>G (p.Leu7Arg)

Gene: MTTP (microsomal triglyceride transfer protein; plus strand). Cytogenetic location: 4q23.
Variant type: single nucleotide variant.
Coding change: c.20T>G on transcript NM_001386140.1 (MANE Select); coding-DNA position 20, T replaced by G.
Protein change: p.Leu7Arg; replaces leucine 7 with arginine.
Molecular consequence: missense variant. On other transcripts: intron variant (1).
Genome position (GRCh38, 1-based): chr4:99,574,929, T>G. VCF-style: chr4-99574929-T-G. GRCh37 (hg19) VCF-style: chr4-100496086-T-G.
Other names: c.20T>G, p.Leu7Arg (NM_000253.4); c.-188-6976T>G (NM_001300785.2); short protein forms L7R.
Identifiers: ClinVar variation 2194976 (VCV002194976.2), dbSNP rs1454278856, ClinGen allele CA357500167.
Genomic context (GRCh38, chr4:99,574,929, plus strand): 5'-CCTAGCTGGGCACTGGATGCAGTTGAGGATTGCTGGTCAATATGATTCTTCTTGCTGTGC[T>G]TTTTCTCTGCTTCATTTCCTCATATTCAGCTTCTGTTAAAGGTAAGTTTGTGTTGCCTTT-3'
Protein context (NP_001373069.1, residues 1-17): MILLAV[Leu7Arg]FLCFISSYSA